The following is an entry in ClinVar:

NM_005435.4(ARHGEF5):c.1504G>T (p.Val502Leu)

Gene: ARHGEF5 (Rho guanine nucleotide exchange factor 5; plus strand). Cytogenetic location: 7q35.
Variant type: single nucleotide variant.
Coding change: c.1504G>T on transcript NM_005435.4 (MANE Select); coding-DNA position 1504, G replaced by T.
Protein change: p.Val502Leu; replaces valine 502 with leucine.
Molecular consequence: missense variant.
Genome position (GRCh38, 1-based): chr7:144,364,173, G>T. VCF-style: chr7-144364173-G-T. GRCh37 (hg19) VCF-style: chr7-144061266-G-T.
Other names: c.1504G>T (NM_005435.3); short protein forms V502L.
Identifiers: ClinVar variation 2658128 (VCV002658128.25), dbSNP rs752820457, ClinGen allele CA4544058.

ClinVar aggregate classification (germline): Conflicting classifications of pathogenicity. Review status: criteria provided, conflicting classifications (1 of 4 stars). 2 submissions from 2 submitters: Uncertain significance (1); Likely benign (1). Last evaluated 2025-05-04.

Allele frequency attached by ClinVar (database versions not stated): ExAC 0.00121.

Submissions (2):

Ambry Genetics
Classification: Uncertain significance. Last evaluated: 2025-05-04. Review status: criteria provided, single submitter. Criteria: Ambry Variant Classification Scheme 2023. Collection method: clinical testing. Allele origin: germline.

CeGaT Center for Human Genetics Tuebingen
Classification: Likely benign. Last evaluated: 2022-11-01. Review status: criteria provided, single submitter. Criteria: CeGaT Center For Human Genetics Tuebingen Variant Classification Criteria Version 2. Collection method: clinical testing. Allele origin: germline. Affected: yes. Observed: 1 variant allele.
Comment: ARHGEF5: BP4, BS2